The following is an entry in ClinVar:

ClinVar aggregate classification (germline): Uncertain significance. Review status: criteria provided, multiple submitters, no conflicts (2 of 4 stars). 2 submissions from 2 submitters: Uncertain significance (2). Last evaluated 2025-08-05.

Conditions:
Primary dilated cardiomyopathy (DCM). Also called: Dilated Cardiomyopathy. Identifiers: Orphanet 217604, MedGen C0007193, MeSH D002311, MONDO:0005021, HP:0001644. Inheritance: Various modes of inheritance.

Allele frequency attached by ClinVar (database versions not stated): TOPMed 0.00003; gnomAD 0.00013 and 0.00014; gnomAD exomes 0.00015 and 0.00019; ExAC 0.00016; 1000 Genomes Project 30x 0.00031.

Submissions (2):

Labcorp Genetics (formerly Invitae), Labcorp
Classification: Uncertain significance for Primary dilated cardiomyopathy. Last evaluated: 2025-08-05. Review status: criteria provided, single submitter. Criteria: Invitae Variant Classification Sherloc (09022015). Collection method: clinical testing. Allele origin: germline.
Comment: This sequence change creates a premature translational stop signal (p.Leu37Lysfs*13) in the NEBL gene. It is expected to result in an absent or disrupted protein product. However, the current clinical and genetic evidence is not sufficient to establish whether loss-of-function variants in NEBL cause disease. This variant is present in population databases (rs762005342, gnomAD 0.2%), and has an allele count higher than expected for a pathogenic variant. This variant has not been reported in the literature in individuals affected with NEBL-related conditions. ClinVar contains an entry for this variant (Variation ID: 229042). In summary, the available evidence is currently insufficient to determine the role of this variant in disease. Therefore, it has been classified as a Variant of Uncertain Significance.

Laboratory for Molecular Medicine, Mass General Brigham Personalized Medicine
Classification: Uncertain significance. Last evaluated: 2015-04-18. Review status: criteria provided, single submitter. Criteria: LMM Criteria. Collection method: clinical testing. Allele origin: germline. Observed: 1 variant allele.
Comment: The p.Leu37Lysfs variant in NEBL has not been reported in individuals with cardi omyopathy, but has been identified in 0.2% (13/6614) of Finnish chromosomes by t he Exome Aggregation Consortium (ExAC). This fra meshift variant is predicted to alter the protein?s amino acid sequence beginnin g at position 37 and lead to a premature termination codon 13 amino acids downst ream. This alteration is then predicted to lead to a truncated or absent protein . There is some evidence for a role of NEBL variants in dilated cardiomyopathy ( Purevjav 2010); however, the spectrum of pathogenic variants as well as the mode of inheritance is currently not well understood. In summary, despite the predi cted severe impact to the protein, the clinical significance of the p.Leu37Lysfs variant is uncertain and its frequency suggests that it is unlikely disease cau sing in the heterozygous state.

NM_006393.3(NEBL):c.109_110del (p.Leu37fs)

Gene: NEBL (nebulette; minus strand). Cytogenetic location: 10p12.31.
Variant type: Deletion.
Coding change: c.109_110del on transcript NM_006393.3 (MANE Select); coding-DNA positions 109 to 110, 2 bases deleted (TT; older notation c.109_110delTT).
Protein change: p.Leu37fs; shifts the reading frame from leucine 37.
Molecular consequence: frameshift variant. On other transcripts: intron variant (9).
Genome position (GRCh38, 1-based): chr10:20,897,001-20,897,002, AA deleted on the plus strand (TT on the coding strand, the reverse complement: NEBL is on the minus strand). VCF-style (leftmost placement, unchanged base first): chr10-20897000-TAA-T. GRCh37 (hg19) VCF-style: chr10-21185929-TAA-T.
Other names: c.109_110delTT (NM_006393.2); c.249+64670_249+64671del (NM_001377326.1, NM_001377327.1, NM_001377328.1); c.357+64670_357+64671del (NM_213569.2, NM_001173484.2, NM_001377322.1); c.300+64670_300+64671del (NM_001377324.1); c.291+64670_291+64671del (NM_001377325.1); c.309+64670_309+64671del (NM_001377323.1); short protein forms L37fs.
Identifiers: ClinVar variation 229042 (VCV000229042.6), dbSNP rs762005342, ClinGen allele CA5433378.
Genomic context (GRCh38, chr10:20,897,000, plus strand): 5'-ATTACTCCAGCCACTTACATCGCTAATGAGTTCCGTGCATTTTCTGGCCAATTCCATGCT[TAA>T]GTCTTCAATAACAGGCTTATAGAAGACCTATTTGAAAAAAAAGAAAAGAACAGAAAGAAC-3'